The following is an entry in ClinVar:

NM_000532.5(PCCB):c.543+1G>A

Gene: PCCB (propionyl-CoA carboxylase subunit beta; plus strand). Cytogenetic location: 3q22.3.
Variant type: single nucleotide variant.
Coding change: c.543+1G>A on transcript NM_000532.5 (MANE Select); the canonical splice donor site of the intron after coding-DNA position 543, G replaced by A.
Molecular consequence: splice donor variant.
Genome position (GRCh38, 1-based): chr3:136,262,066, G>A. VCF-style: chr3-136262066-G-A. GRCh37 (hg19) VCF-style: chr3-135980908-G-A.
Other names: c.543+1G>A (NM_000532.4); c.603+1G>A (NM_001178014.2).
Identifiers: ClinVar variation 1479187 (VCV001479187.9), dbSNP rs2108146835, ClinGen allele CA354740022.

ClinVar aggregate classification (germline): Likely pathogenic. Review status: criteria provided, multiple submitters, no conflicts (2 of 4 stars). 2 submissions from 2 submitters: Likely pathogenic (2). Last evaluated 2025-01-16.

Conditions:
Propionic acidemia (PROP). Also called: GLYCINEMIA, KETOTIC; HYPERGLYCINEMIA WITH KETOACIDOSIS AND LEUKOPENIA; KETOTIC HYPERGLYCINEMIA. Identifiers: Orphanet 35, MedGen C0268579, MONDO:0011628, OMIM 606054, HP:0003571.

Allele frequency attached by ClinVar (database versions not stated): gnomAD exomes below 0.00001.
gnomAD v4.1: 1 of 1,526,762 alleles (0.000065%); highest among the groups gnomAD compares: African/African-American, 0.0014%; no homozygotes.

Submissions (2):

Natera, Inc.
Classification: Likely pathogenic for Propionic acidemia. Last evaluated: 2025-01-16. Review status: criteria provided, single submitter. Criteria: Natera Variant Classification Schema (03/2026). Collection method: clinical testing. Allele origin: germline.
Comment: The c.543+1G>A variant in PCCB is a canonical splice donor site variant predicted to affect pre-mRNA splicing, which may result in an abnormal transcript and altered protein product. This variant is expected to result in nonsense mediated decay, truncation, or a dysfunctional protein product. This variant is rare in the general population with a frequency below the threshold expected for the associated phenotype(s). This variant has been observed in one or more individuals affected with the associated recessive disease, as either homozygous or compound heterozygous with a second variant (PMID: 12559849). Given the available evidence, this variant is classified as Likely Pathogenic.

Labcorp Genetics (formerly Invitae), Labcorp
Classification: Likely pathogenic for Propionic acidemia. Last evaluated: 2022-08-19. Review status: criteria provided, single submitter. Criteria: Invitae Variant Classification Sherloc (09022015). Collection method: clinical testing. Allele origin: germline.
Comment: This sequence change affects a donor splice site in intron 5 of the PCCB gene. It is expected to disrupt RNA splicing. Variants that disrupt the donor or acceptor splice site typically lead to a loss of protein function (PMID: 16199547), and loss-of-function variants in PCCB are known to be pathogenic (PMID: 15464417). This variant is not present in population databases (gnomAD no frequency). Disruption of this splice site has been observed in individual(s) with clinical features of propionic acidemia (PMID: 12559849, 26830710). This variant is also known as IVS5nt1G>A. ClinVar contains an entry for this variant (Variation ID: 1479187). Algorithms developed to predict the effect of sequence changes on RNA splicing suggest that this variant may disrupt the consensus splice site. In summary, the currently available evidence indicates that the variant is pathogenic, but additional data are needed to prove that conclusively. Therefore, this variant has been classified as Likely Pathogenic.

Literature cited by the submitters: PubMed 12559849 (cited by Natera, Inc. and Labcorp Genetics (formerly Invitae), Labcorp); PubMed 16199547 (cited by Labcorp Genetics (formerly Invitae), Labcorp); PubMed 15464417 (cited by Labcorp Genetics (formerly Invitae), Labcorp); PubMed 26830710 (cited by Labcorp Genetics (formerly Invitae), Labcorp).